The following is an entry in ClinVar:

NM_001164508.2(NEB):c.8373+1G>A

Gene: NEB (nebulin; minus strand). Cytogenetic location: 2q23.3.
Variant type: single nucleotide variant.
Coding change: c.8373+1G>A on transcript NM_001164508.2 (MANE Select); the canonical splice donor site of the intron after coding-DNA position 8373, G replaced by A.
Molecular consequence: splice donor variant.
Genome position (GRCh38, 1-based): chr2:151,642,573, C>T on the plus strand (G>A on the coding strand, the complement: NEB is on the minus strand). VCF-style: chr2-151642573-C-T. GRCh37 (hg19) VCF-style: chr2-152499087-C-T.
Other names: c.8373+1G>A (NM_004543.5, NM_001164507.2, NM_001271208.2).
Identifiers: ClinVar variation 1346401 (VCV001346401.8), dbSNP rs2154112865, ClinGen allele CA348812487.

ClinVar aggregate classification (germline): Likely pathogenic (1 of 4 stars; one submission).

Conditions:
Nemaline myopathy 2 (NEM2). Also called: Nemaline myopathy 2, autosomal recessive. Identifiers: MedGen C1850569, MONDO:0009725, OMIM 256030.

gnomAD v4.1: 1 of 1,607,158 alleles (0.000062%); highest among the groups gnomAD compares: Non-Finnish European, 0.000085%; no homozygotes.

Submission:

Labcorp Genetics (formerly Invitae), Labcorp
Classification: Likely pathogenic for Nemaline myopathy 2. Last evaluated: 2021-05-31. Review status: criteria provided, single submitter. Criteria: Invitae Variant Classification Sherloc (09022015). Collection method: clinical testing. Allele origin: germline.
Comment: In summary, the currently available evidence indicates that the variant is pathogenic, but additional data are needed to prove that conclusively. Therefore, this variant has been classified as Likely Pathogenic. Algorithms developed to predict the effect of sequence changes on RNA splicing suggest that this variant may disrupt the consensus splice site, but this prediction has not been confirmed by published transcriptional studies. This variant has not been reported in the literature in individuals with NEB-related conditions. This variant is not present in population databases (ExAC no frequency). This sequence change affects a donor splice site in intron 60 of the NEB gene. It is expected to disrupt RNA splicing. Variants that disrupt the donor or acceptor splice site typically lead to a loss of protein function (PMID: 16199547), and loss-of-function variants in NEB are known to be pathogenic (PMID: 25205138).

Literature cited by the submitters: PubMed 16199547; PubMed 25205138.